The following is an entry in ClinVar:

ClinVar aggregate classification (germline): Uncertain significance. Review status: criteria provided, multiple submitters, no conflicts (2 of 4 stars). 4 submissions from 4 submitters: Uncertain significance (3). 1 of the submissions does not count toward it. Last evaluated 2024-02-28.

Conditions:
Neuronal ceroid lipofuscinosis 2. Also called: TPP1-Related Neuronal Ceroid-Lipofuscinosis; JANSKY-BIELSCHOWSKY DISEASE NEURONAL CEROID LIPOFUSCINOSIS, LATE INFANTILE. Identifiers: Orphanet 168491, Orphanet 228349, Orphanet 79264, MedGen C1876161, MONDO:0008769, OMIM 204500.

Allele frequency attached by ClinVar (database versions not stated): ExAC 0.00001; gnomAD exomes 0.00002; TOPMed 0.00004; gnomAD 0.00005 and 0.00006; ESP Exome Variant Server 0.00008.

Submissions (4):

Blueprint Genetics
Classification: Uncertain significance. Last evaluated: 2024-02-28. Review status: criteria provided, single submitter. Criteria: ACMG Guidelines, 2015. Collection method: clinical testing. Allele origin: germline.

Labcorp Genetics (formerly Invitae), Labcorp
Classification: Uncertain significance. Last evaluated: 2022-09-19. Review status: criteria provided, single submitter. Criteria: Invitae Variant Classification Sherloc (09022015). Collection method: clinical testing. Allele origin: germline.
Comment: This sequence change replaces alanine, which is neutral and non-polar, with serine, which is neutral and polar, at codon 105 of the TPP1 protein (p.Ala105Ser). This variant is present in population databases (rs368435226, gnomAD 0.004%). This variant has not been reported in the literature in individuals affected with TPP1-related conditions. ClinVar contains an entry for this variant (Variation ID: 836182). Advanced modeling of protein sequence and biophysical properties (such as structural, functional, and spatial information, amino acid conservation, physicochemical variation, residue mobility, and thermodynamic stability) performed at Invitae indicates that this missense variant is not expected to disrupt TPP1 protein function. In summary, the available evidence is currently insufficient to determine the role of this variant in disease. Therefore, it has been classified as a Variant of Uncertain Significance.

Mayo Clinic Laboratories, Mayo Clinic
Classification: Uncertain significance. Last evaluated: 2020-06-23. Review status: criteria provided, single submitter. Criteria: ACMG Guidelines, 2015. Collection method: clinical testing. Allele origin: germline. Observed: 1 variant allele.

Natera, Inc.
Classification: Uncertain significance for Neuronal ceroid lipofuscinosis 2. Last evaluated: 2020-04-14. Review status: no assertion criteria provided. Collection method: clinical testing. Allele origin: germline. Not counted in ClinVar's aggregate classification.

NM_000391.4(TPP1):c.313G>T (p.Ala105Ser)

Gene: TPP1 (tripeptidyl peptidase 1; minus strand). Cytogenetic location: 11p15.4.
Variant type: single nucleotide variant.
Coding change: c.313G>T on transcript NM_000391.4 (MANE Select); coding-DNA position 313, G replaced by T.
Protein change: p.Ala105Ser; replaces alanine 105 with serine.
Molecular consequence: missense variant.
Genome position (GRCh38, 1-based): chr11:6,617,693, C>A on the plus strand (G>T on the coding strand, the complement: TPP1 is on the minus strand). VCF-style: chr11-6617693-C-A. GRCh37 (hg19) VCF-style: chr11-6638924-C-A.
Other names: short protein forms A105S.
Identifiers: ClinVar variation 836182 (VCV000836182.11), dbSNP rs368435226, ClinGen allele CA5858994.
Genomic context (GRCh38, chr11:6,617,693, plus strand): 5'-TCAGCCAGCAAGTCAGAAAGTCCTGTGTGATCACAGAATGGCACTTCTGGGCTCCGGCTG[C>A]CAAGAGCCATTTTTGCACCGTGTGGAGGGTCAGTGGGGATGGCCTCACCAGATCAGCCAC-3'
Protein context (NP_000382.3, residues 95-115): TLHTVQKWLL[Ala105Ser]AGAQKCHSVI